The following is an entry in ClinVar:

ClinVar aggregate classification (germline): Uncertain significance (1 of 4 stars; one submission).

Conditions:
Cardiovascular phenotype. Identifiers: MedGen CN230736.

Submission:

Ambry Genetics
Classification: Uncertain significance for Cardiovascular phenotype. Last evaluated: 2023-06-12. Review status: criteria provided, single submitter. Criteria: Ambry Variant Classification Scheme 2023. Collection method: clinical testing. Allele origin: germline.
Comment: The p.Q72K variant (also known as c.214C>A), located in coding exon 2 of the NEXN gene, results from a C to A substitution at nucleotide position 214. The glutamine at codon 72 is replaced by lysine, an amino acid with similar properties. This amino acid position is conserved. In addition, the in silico prediction for this alteration is inconclusive. Since supporting evidence is limited at this time, the clinical significance of this alteration remains unclear.

NM_144573.4(NEXN):c.214C>A (p.Gln72Lys)

Gene: NEXN (nexilin F-actin binding protein; plus strand). Cytogenetic location: 1p31.1.
Variant type: single nucleotide variant.
Coding change: c.214C>A on transcript NM_144573.4 (MANE Select); coding-DNA position 214, C replaced by A.
Protein change: p.Gln72Lys; replaces glutamine 72 with lysine.
Molecular consequence: missense variant. On other transcripts: intron variant (1).
Genome position (GRCh38, 1-based): chr1:77,917,752, C>A. VCF-style: chr1-77917752-C-A. GRCh37 (hg19) VCF-style: chr1-78383437-C-A.
Other names: c.28-208C>A (NM_001172309.2); short protein forms Q72K.
Identifiers: ClinVar variation 2564024 (VCV002564024.2), dbSNP rs1162322745, ClinGen allele CA340886040.
Genomic context (GRCh38, chr1:77,917,752, plus strand): 5'-GACGAAAAACAAAGAAGAAAAGAACAATATATTAGAGAGAGAGAATGGAACAGGAGAAAG[C>A]AGGAGGTTATTTTATTTTACTTTATTCTCGTGAAAATATTTGTTTGCATTTTTTCATTTA-3'
Protein context (NP_653174.3, residues 62-82): IREREWNRRK[Gln72Lys]EIKEMLASDD